The following is an entry in ClinVar:

ClinVar aggregate classification (germline): Conflicting classifications of pathogenicity. Review status: criteria provided, conflicting classifications (1 of 4 stars). 3 submissions from 3 submitters: Uncertain significance (1); Likely benign (2). Last evaluated 2025-09-03.

Conditions:
Familial thoracic aortic aneurysm and aortic dissection (TAAD). Also called: Thoracic aortic aneurysms and dissections. Identifiers: Orphanet 91387, MedGen C4707243, MONDO:0019625.
Ehlers-Danlos syndrome, classic type, 1 (EDSCL1). Also called: Ehlers-Danlos Syndrome, Classic Type, COL5A1-Related; EDS I; Ehlers-Danlos syndrome, type 1; EHLERS-DANLOS SYNDROME, GRAVIS TYPE; EHLERS-DANLOS SYNDROME, SEVERE CLASSIC TYPE. Identifiers: MedGen C0268335, MONDO:0019567, OMIM 130000.

Allele frequency attached by ClinVar (database versions not stated): gnomAD exomes 0.00001; ExAC 0.00001; TOPMed below 0.00001.
gnomAD v4.1: 10 of 1,613,840 alleles (0.00062%); highest among the groups gnomAD compares: South Asian, 0.0077%; no homozygotes.

Submissions (3):

Labcorp Genetics (formerly Invitae), Labcorp
Classification: Likely benign for Ehlers-Danlos syndrome, classic type, 1. Last evaluated: 2025-09-03. Review status: criteria provided, single submitter. Criteria: Invitae Variant Classification Sherloc (09022015). Collection method: clinical testing. Allele origin: germline.

Ambry Genetics
Classification: Likely benign for Familial thoracic aortic aneurysm and aortic dissection. Last evaluated: 2025-07-14. Review status: criteria provided, single submitter. Criteria: Ambry Variant Classification Scheme 2023. Collection method: clinical testing. Allele origin: germline.

GeneDx
Classification: Uncertain significance. Last evaluated: 2024-12-26. Review status: criteria provided, single submitter. Criteria: GeneDx Variant Classification Process June 2021. Collection method: clinical testing. Allele origin: germline. Affected: yes.
Comment: Has not been previously published as pathogenic or benign to our knowledge; Not observed at significant frequency in large population cohorts (gnomAD); In silico analysis supports that this missense variant has a deleterious effect on protein structure/function

NM_000393.5(COL5A2):c.1973C>T (p.Pro658Leu)

Gene: COL5A2 (collagen type V alpha 2 chain; minus strand). Cytogenetic location: 2q32.2.
Variant type: single nucleotide variant.
Coding change: c.1973C>T on transcript NM_000393.5 (MANE Select); coding-DNA position 1973, C replaced by T.
Protein change: p.Pro658Leu; replaces proline 658 with leucine.
Molecular consequence: missense variant.
Genome position (GRCh38, 1-based): chr2:189,062,869, G>A on the plus strand (C>T on the coding strand, the complement: COL5A2 is on the minus strand). VCF-style: chr2-189062869-G-A. GRCh37 (hg19) VCF-style: chr2-189927595-G-A.
Other names: short protein forms P658L.
Identifiers: ClinVar variation 529278 (VCV000529278.15), dbSNP rs746458284, ClinGen allele CA2022508.